The following is an entry in ClinVar:

NM_000138.5(FBN1):c.6275G>A (p.Trp2092Ter)

Gene: FBN1 (fibrillin 1; minus strand). Cytogenetic location: 15q21.1.
Variant type: single nucleotide variant.
Coding change: c.6275G>A on transcript NM_000138.5 (MANE Select); coding-DNA position 6275, G replaced by A.
Protein change: p.Trp2092Ter; replaces tryptophan 2092 with a stop codon.
Molecular consequence: nonsense.
Genome position (GRCh38, 1-based): chr15:48,437,806, C>T on the plus strand (G>A on the coding strand, the complement: FBN1 is on the minus strand). VCF-style: chr15-48437806-C-T. GRCh37 (hg19) VCF-style: chr15-48730003-C-T.
Other names: c.6275G>A, p.Trp2092Ter (NM_001406716.1); short protein forms W2092*.
Identifiers: ClinVar variation 3899246 (VCV003899246.1).

ClinVar aggregate classification (germline): Pathogenic (1 of 4 stars; one submission).

Conditions:
Marfan syndrome (MFS). Also called: MARFAN SYNDROME, TYPE I; Marfan syndrome type 1; Marfan's syndrome; Marfan syndrome, classic; FBN1-Related Marfan Syndrome. Identifiers: Orphanet 284963, Orphanet 558, MedGen C0024796, MONDO:0007947, OMIM 154700.

Submission:

Clinical Biomedical Laboratory, Shriners Hospital For Children - Canada
Classification: Pathogenic for Marfan syndrome. Last evaluated: 2025-05-08. Review status: criteria provided, single submitter. Criteria: ACMG Guidelines, 2015. Collection method: clinical testing. Allele origin: germline. Affected: yes.
Comment: This variant is predicted to introduce a premature stop codon and lead to loss of function of the affected allele. This variant is absent from Genome Aggregation Database (v2.1.1.). Loss of function variants in FBN1 are an established cause of Marfan syndrome (PMID 30048161, 33087052). Based on the ACMG variant interpretation guidelines, the available evidence supports classification of this variant as pathogenic.

Literature cited by the submitters: PubMed 30048161; PubMed 33087052.